The following is an entry in ClinVar:

NM_012330.4(KAT6B):c.5648A>G (p.Asn1883Ser)

Gene: KAT6B (lysine acetyltransferase 6B; plus strand). Cytogenetic location: 10q22.2.
Variant type: single nucleotide variant.
Coding change: c.5648A>G on transcript NM_012330.4 (MANE Select); coding-DNA position 5648, A replaced by G.
Protein change: p.Asn1883Ser; replaces asparagine 1883 with serine.
Molecular consequence: missense variant.
Genome position (GRCh38, 1-based): chr10:75,030,472, A>G. VCF-style: chr10-75030472-A-G. GRCh37 (hg19) VCF-style: chr10-76790230-A-G.
Other names: c.4772A>G, p.Asn1591Ser (NM_001370139.1, NM_001370140.1, NM_001370141.1 and 2 more transcripts); c.4583A>G, p.Asn1528Ser (NM_001370143.1, NM_001370144.1); c.5099A>G, p.Asn1700Ser (NM_001256468.2, NM_001370138.1); c.4610A>G, p.Asn1537Ser (NM_001370132.1); c.3959A>G, p.Asn1320Ser (NM_001370133.1); c.3563A>G, p.Asn1188Ser (NM_001370134.1); c.3305A>G, p.Asn1102Ser (NM_001370135.1); c.5648A>G, p.Asn1883Ser (NM_001370136.1, NM_001370137.1); short protein forms N1102S, N1188S, N1537S, N1320S, N1528S, N1700S, N1591S, N1883S.
Identifiers: ClinVar variation 3722461 (VCV003722461.2).

ClinVar aggregate classification (germline): Uncertain significance (1 of 4 stars; one submission).

Conditions:
Genitopatellar syndrome (GTPTS). Also called: ABSENT PATELLAE, SCROTAL HYPOPLASIA, RENAL ANOMALIES, FACIAL DYSMORPHISM, AND MENTAL RETARDATION; Genitopatellar syndrome (GPS). Identifiers: Orphanet 85201, MedGen C1853566, MONDO:0011640, OMIM 606170.

Submission:

Labcorp Genetics (formerly Invitae), Labcorp
Classification: Uncertain significance for Genitopatellar syndrome. Last evaluated: 2024-10-08. Review status: criteria provided, single submitter. Criteria: Invitae Variant Classification Sherloc (09022015). Collection method: clinical testing. Allele origin: germline.
Comment: This sequence change replaces asparagine, which is neutral and polar, with serine, which is neutral and polar, at codon 1883 of the KAT6B protein (p.Asn1883Ser). This variant is not present in population databases (gnomAD no frequency). This variant has not been reported in the literature in individuals affected with KAT6B-related conditions. An algorithm developed to predict the effect of missense changes on protein structure and function (PolyPhen-2) suggests that this variant is likely to be disruptive. In summary, the available evidence is currently insufficient to determine the role of this variant in disease. Therefore, it has been classified as a Variant of Uncertain Significance.